The following is an entry in ClinVar:

NM_006563.5(KLF1):c.623C>A (p.Pro208Gln)

Gene: KLF1 (KLF transcription factor 1; minus strand). Cytogenetic location: 19p13.13.
Variant type: single nucleotide variant.
Coding change: c.623C>A on transcript NM_006563.5 (MANE Select); coding-DNA position 623, C replaced by A.
Protein change: p.Pro208Gln; replaces proline 208 with glutamine.
Molecular consequence: missense variant.
Genome position (GRCh38, 1-based): chr19:12,885,607, G>T on the plus strand (C>A on the coding strand, the complement: KLF1 is on the minus strand). VCF-style: chr19-12885607-G-T. GRCh37 (hg19) VCF-style: chr19-12996421-G-T.
Other names: short protein forms P208Q.
Identifiers: ClinVar variation 2636178 (VCV002636178.1), dbSNP rs1264877866, ClinGen allele CA404308509.

ClinVar aggregate classification (germline): Uncertain significance (1 of 4 stars; one submission).

Conditions:
KLF1-related disorder. Also called: KLF1-related condition; KLF1-Related Disorders.

Submission:

PreventionGenetics, part of Exact Sciences
Classification: Uncertain significance for KLF1-related condition. Last evaluated: 2022-08-26. Review status: criteria provided, single submitter. Criteria: ACMG Guidelines, 2015. Collection method: clinical testing. Allele origin: germline.
Comment: The KLF1 c.623C>A variant is predicted to result in the amino acid substitution p.Pro208Gln. To our knowledge, this variant has not been reported in the literature. This variant is reported in 0.0044% of alleles in individuals of South Asian descent in gnomAD. At this time, the clinical significance of this variant is uncertain due to the absence of conclusive functional and genetic evidence.